The following is an entry in ClinVar:

ClinVar aggregate classification (germline): Pathogenic (1 of 4 stars; one submission).

Conditions:
Leber congenital amaurosis 8 (LCA8). Identifiers: Orphanet 65, MedGen C3151202, MONDO:0013453, OMIM 613835.
Retinitis pigmentosa 12 (RP12). Also called: RP WITH OR WITHOUT PRESERVED PARAARTERIOLE RETINAL PIGMENT EPITHELIUM; RETINITIS PIGMENTOSA WITH OR WITHOUT PARAARTERIOLAR PRESERVATION OF RETINAL PIGMENT EPITHELIUM; RP WITH OR WITHOUT PPRPE. Identifiers: Orphanet 791, MedGen C1838647, MONDO:0010818, OMIM 600105.

Submission:

Labcorp Genetics (formerly Invitae), Labcorp
Classification: Pathogenic for Leber congenital amaurosis 8; Retinitis pigmentosa 12. Last evaluated: 2025-08-18. Review status: criteria provided, single submitter. Criteria: Invitae Variant Classification Sherloc (09022015). Collection method: clinical testing. Allele origin: germline.
Comment: This sequence change creates a premature translational stop signal (p.Cys412*) in the CRB1 gene. It is expected to result in an absent or disrupted protein product. Loss-of-function variants in CRB1 are known to be pathogenic (PMID: 10508521, 22065545, 23379534, 25412400, 26957898, 28041643, 29391521). This variant is not present in population databases (gnomAD no frequency). This variant has not been reported in the literature in individuals affected with CRB1-related conditions. ClinVar contains an entry for this variant (Variation ID: 3760108). For these reasons, this variant has been classified as Pathogenic.

Literature cited by the submitters: PubMed 10508521; PubMed 22065545; PubMed 23379534; PubMed 25412400; PubMed 26957898; PubMed 28041643; PubMed 29391521.

NM_201253.3(CRB1):c.1236T>A (p.Cys412Ter)

Gene: CRB1 (crumbs cell polarity complex component 1; plus strand). Cytogenetic location: 1q31.3.
Variant type: single nucleotide variant.
Coding change: c.1236T>A on transcript NM_201253.3 (MANE Select); coding-DNA position 1236, T replaced by A.
Protein change: p.Cys412Ter; replaces cysteine 412 with a stop codon.
Molecular consequence: nonsense. On other transcripts: non-coding transcript variant (2).
Genome position (GRCh38, 1-based): chr1:197,421,064, T>A. VCF-style: chr1-197421064-T-A. GRCh37 (hg19) VCF-style: chr1-197390194-T-A.
Other names: c.900T>A, p.Cys300Ter (NM_001193640.2); c.1029T>A, p.Cys343Ter (NM_001257965.2); c.1236T>A, p.Cys412Ter (NM_001257966.2); short protein forms C300*, C343*, C412*.
Identifiers: ClinVar variation 3760108 (VCV003760108.2).
Genomic context (GRCh38, chr1:197,421,064, plus strand): 5'-CCACTGCGAAGAAGACGTCAATGAATGTTCTTCAAACCCTTGCCAAAATGGTGGTACTTG[T>A]GAGAACTTGCCTGGGAATTATACTTGCCATTGCCCATTTGATAACCTTTCTAGAACTTTT-3'